The following is an entry in ClinVar:

NM_006642.5(SDCCAG8):c.1411G>T (p.Ala471Ser)

Gene: SDCCAG8 (SHH signaling and ciliogenesis regulator SDCCAG8; plus strand). Cytogenetic location: 1q43.
Variant type: single nucleotide variant.
Coding change: c.1411G>T on transcript NM_006642.5 (MANE Select); coding-DNA position 1411, G replaced by T.
Protein change: p.Ala471Ser; replaces alanine 471 with serine.
Molecular consequence: missense variant.
Genome position (GRCh38, 1-based): chr1:243,344,269, G>T. VCF-style: chr1-243344269-G-T. GRCh37 (hg19) VCF-style: chr1-243507571-G-T.
Other names: c.508G>T, p.Ala170Ser (NM_001350246.2, NM_001350247.2, NM_001350251.2); c.1507G>T, p.Ala503Ser (NM_001350248.2); c.1117G>T, p.Ala373Ser (NM_001350249.2); short protein forms A373S, A170S, A471S, A503S.
Identifiers: ClinVar variation 2336655 (VCV002336655.3), dbSNP rs775752533, ClinGen allele CA1483637.

ClinVar aggregate classification (germline): Uncertain significance. Review status: criteria provided, multiple submitters, no conflicts (2 of 4 stars). 2 submissions from 2 submitters: Uncertain significance (2). Last evaluated 2025-03-21.

Conditions:
SDCCAG8-related disorder. Also called: SDCCAG8-Related Disorders; SDCCAG8-related condition.
Inborn genetic diseases. Identifiers: MedGen C0950123, MeSH D030342.

Allele frequency attached by ClinVar (database versions not stated): ExAC 0.00001.
gnomAD v4.1: 1 of 1,614,000 alleles (0.000062%); highest among the groups gnomAD compares: Non-Finnish European, 0.000085%; no homozygotes.

Submissions (2):

PreventionGenetics, part of Exact Sciences
Classification: Uncertain significance for SDCCAG8-related condition. Last evaluated: 2025-03-21. Review status: criteria provided, single submitter. Criteria: ACMG Guidelines, 2015. Collection method: clinical testing. Allele origin: germline.
Comment: The SDCCAG8 c.1411G>T variant is predicted to result in the amino acid substitution p.Ala471Ser. To our knowledge, this variant has not been reported in the literature. This variant is reported in 0.00088% of alleles in individuals of European (Non-Finnish) descent in gnomAD. At this time, the clinical significance of this variant is uncertain due to the absence of conclusive functional and genetic evidence.

Ambry Genetics
Classification: Uncertain significance for Inborn genetic diseases. Last evaluated: 2022-12-19. Review status: criteria provided, single submitter. Criteria: Ambry Variant Classification Scheme 2023. Collection method: clinical testing. Allele origin: germline.